The following is an entry in ClinVar:

NM_005032.7(PLS3):c.1511+1G>A

Gene: PLS3 (plastin 3; plus strand). Cytogenetic location: Xq23.
Variant type: single nucleotide variant.
Coding change: c.1511+1G>A on transcript NM_005032.7 (MANE Select); the canonical splice donor site of the intron after coding-DNA position 1511, G replaced by A.
Molecular consequence: splice donor variant.
Genome position (GRCh38, 1-based): chrX:115,646,536, G>A. VCF-style: chrX-115646536-G-A. GRCh37 (hg19) VCF-style: chrX-114880856-G-A.
Other names: NC_000023.10:g.114880856G>A; c.1472+1G>A (NM_001282337.2); c.1376+1G>A (NM_001282338.2); c.1511+1G>A (NM_001136025.5); c.1430+1G>A (NM_001172335.3).
Identifiers: ClinVar variation 1201464 (VCV001201464.4), dbSNP rs2147586886, ClinGen allele CA414336159.

ClinVar aggregate classification (germline): Pathogenic (1 of 4 stars; one submission).

Submissions (2):

GeneDx
Classification: Pathogenic. Last evaluated: 2021-02-08. Review status: criteria provided, single submitter. Criteria: GeneDx Variant Classification Process June 2021. Collection method: clinical testing. Allele origin: germline. Affected: yes.
Comment: Canonical splice site variant predicted to result in a null allele in a gene for which loss-of-function is a known mechanism of disease; Not observed in large population cohorts (Lek et al., 2016); Has not been previously published as pathogenic or benign to our knowledge

Dr. Peter K. Rogan Lab, Western University
No classification provided (evidence only). Condition: Nonpapillary renal cell carcinoma. Review status: no classification provided. Collection method: in vitro. Allele origin: not applicable. Functional consequence: retained intron. Not counted in ClinVar's aggregate classification.